The following is an entry in ClinVar:

ClinVar aggregate classification (germline): Pathogenic (1 of 4 stars; one submission).

Submission:

Labcorp Genetics (formerly Invitae), Labcorp
Classification: Pathogenic. Last evaluated: 2022-06-27. Review status: criteria provided, single submitter. Criteria: Invitae Variant Classification Sherloc (09022015). Collection method: clinical testing. Allele origin: germline.
Comment: This sequence change creates a premature translational stop signal (p.Ser1354*) in the USH2A gene. It is expected to result in an absent or disrupted protein product. Loss-of-function variants in USH2A are known to be pathogenic (PMID: 10729113, 10909849, 20507924, 25649381). This variant is not present in population databases (gnomAD no frequency). This variant has not been reported in the literature in individuals affected with USH2A-related conditions. For these reasons, this variant has been classified as Pathogenic.

Literature cited by the submitters: PubMed 10729113; PubMed 10909849; PubMed 20507924; PubMed 25649381.

NM_206933.4(USH2A):c.4061C>G (p.Ser1354Ter)

Genes: USH2A (usherin; minus strand), USH2A-AS1 (USH2A antisense RNA 1; plus strand). Cytogenetic location: 1q41.
Variant type: single nucleotide variant.
Coding change: c.4061C>G on transcript NM_206933.4 (MANE Select); coding-DNA position 4061, C replaced by G.
Protein change: p.Ser1354Ter; replaces serine 1354 with a stop codon.
Molecular consequence: nonsense.
Genome position (GRCh38, 1-based): chr1:216,198,335, G>C on the plus strand (C>G on the coding strand, the complement: USH2A is on the minus strand). VCF-style: chr1-216198335-G-C. GRCh37 (hg19) VCF-style: chr1-216371677-G-C.
Other names: c.4061C>G, p.Ser1354Ter (NM_007123.6); short protein forms S1354*.
Identifiers: ClinVar variation 2011346 (VCV002011346.4), dbSNP rs775637851, ClinGen allele CA344866889.